The following is an entry in ClinVar:

ClinVar aggregate classification (germline): Likely benign. Review status: criteria provided, single submitter (1 of 4 stars). 2 submissions from 2 submitters: Likely benign (1). 1 of the submissions does not count toward it. Last evaluated 2024-04-23.

Conditions:
SLIT2-related disorder. Also called: SLIT2-related condition.

Allele frequency attached by ClinVar (database versions not stated): gnomAD 0.00003; gnomAD exomes 0.00003; TOPMed 0.00003; ExAC 0.00005.
gnomAD v4.1: 45 of 1,609,382 alleles (0.0028%); highest among the groups gnomAD compares: Admixed American, 0.0067%; no homozygotes.

Submissions (2):

Labcorp Genetics (formerly Invitae), Labcorp
Classification: Likely benign. Last evaluated: 2024-04-23. Review status: criteria provided, single submitter. Criteria: Invitae Variant Classification Sherloc (09022015). Collection method: clinical testing. Allele origin: germline.

PreventionGenetics, part of Exact Sciences
Classification: Likely benign for SLIT2-related condition. Last evaluated: 2019-04-15. Review status: no assertion criteria provided. Collection method: clinical testing. Allele origin: germline. Not counted in ClinVar's aggregate classification.
Comment: This variant is classified as likely benign based on ACMG/AMP sequence variant interpretation guidelines (Richards et al. 2015 PMID: 25741868, with internal and published modifications).

NM_004787.4(SLIT2):c.919T>C (p.Leu307=)

Gene: SLIT2 (slit guidance ligand 2; plus strand). Cytogenetic location: 4p15.31.
Variant type: single nucleotide variant.
Coding change: c.919T>C on transcript NM_004787.4 (MANE Select); coding-DNA position 919, T replaced by C.
Protein change: p.Leu307=; no amino-acid change (leucine 307 retained).
Molecular consequence: synonymous variant.
Genome position (GRCh38, 1-based): chr4:20,510,499, T>C. VCF-style: chr4-20510499-T-C. GRCh37 (hg19) VCF-style: chr4-20512122-T-C.
Other names: c.919T>C (NM_004787.3); c.931T>C, p.Leu311= (NM_001289135.3); c.919T>C, p.Leu307= (NM_001289136.3).
Identifiers: ClinVar variation 2752949 (VCV002752949.5), dbSNP rs778800363, ClinGen allele CA2871274.